The following is an entry in ClinVar:

NM_001606.5(ABCA2):c.6495+3G>A

Gene: ABCA2 (ATP binding cassette subfamily A member 2; minus strand). Cytogenetic location: 9q34.3.
Variant type: single nucleotide variant.
Coding change: c.6495+3G>A on transcript NM_001606.5 (MANE Select); 3 bases into the intron after coding-DNA position 6495, G replaced by A.
Molecular consequence: intron variant.
Genome position (GRCh38, 1-based): chr9:137,009,980, C>T on the plus strand (G>A on the coding strand, the complement: ABCA2 is on the minus strand). VCF-style: chr9-137009980-C-T. GRCh37 (hg19) VCF-style: chr9-139904432-C-T.
Other names: c.6585+3G>A (NM_212533.3); c.6492+3G>A (NM_001411042.1).
Identifiers: ClinVar variation 3353206 (VCV003353206.1).

ClinVar aggregate classification (germline): Uncertain significance (0 of 4 stars; one submission).

Conditions:
ABCA2-related disorder. Also called: ABCA2-related condition.

gnomAD v4.1: 186 of 1,597,330 alleles (0.012%); highest among the groups gnomAD compares: Middle Eastern, 0.017%; no homozygotes.

Submission:

PreventionGenetics, part of Exact Sciences
Classification: Uncertain significance for ABCA2-related condition. Last evaluated: 2024-03-18. Review status: no assertion criteria provided. Collection method: clinical testing. Allele origin: germline.
Comment: The ABCA2 c.6585+3G>A variant is predicted to interfere with splicing. To our knowledge, this variant has not been reported in the literature. This variant is reported in 0.014% of alleles in individuals of European (Non-Finnish) descent in gnomAD. Although we suspect that this variant may be benign, at this time, the clinical significance of this variant is uncertain due to the absence of conclusive functional and genetic evidence.